The following is an entry in ClinVar:

NM_005529.7(HSPG2):c.12581G>T (p.Gly4194Val)

Gene: HSPG2 (heparan sulfate proteoglycan 2; minus strand). Cytogenetic location: 1p36.12.
Variant type: single nucleotide variant.
Coding change: c.12581G>T on transcript NM_005529.7 (MANE Select); coding-DNA position 12581, G replaced by T.
Protein change: p.Gly4194Val; replaces glycine 4194 with valine.
Molecular consequence: missense variant.
Genome position (GRCh38, 1-based): chr1:21,827,871, C>A on the plus strand (G>T on the coding strand, the complement: HSPG2 is on the minus strand). VCF-style: chr1-21827871-C-A. GRCh37 (hg19) VCF-style: chr1-22154364-C-A.
Other names: c.12581G>T (NM_005529.5); c.12584G>T, p.Gly4195Val (NM_001291860.2); short protein forms G4194V, G4195V.
Identifiers: ClinVar variation 1427804 (VCV001427804.4), dbSNP rs749951503, ClinGen allele CA669376.

ClinVar aggregate classification (germline): Uncertain significance. Review status: criteria provided, multiple submitters, no conflicts (2 of 4 stars). 2 submissions from 2 submitters: Uncertain significance (2). Last evaluated 2025-11-07.

Conditions:
Inborn genetic diseases. Identifiers: MedGen C0950123, MeSH D030342.

Allele frequency attached by ClinVar (database versions not stated): ExAC 0.00014; gnomAD exomes 0.00003 and below 0.00001; TOPMed 0.00011.
gnomAD v4.1: 28 of 1,584,884 alleles (0.0018%); highest among the groups gnomAD compares: African/African-American, 0.033%; no homozygotes.

Submissions (2):

Ambry Genetics
Classification: Uncertain significance for Inborn genetic diseases. Last evaluated: 2025-11-07. Review status: criteria provided, single submitter. Criteria: Ambry Variant Classification Scheme 2023. Collection method: clinical testing. Allele origin: germline.

Labcorp Genetics (formerly Invitae), Labcorp
Classification: Uncertain significance. Last evaluated: 2022-10-18. Review status: criteria provided, single submitter. Criteria: Invitae Variant Classification Sherloc (09022015). Collection method: clinical testing. Allele origin: germline.
Comment: This sequence change replaces glycine, which is neutral and non-polar, with valine, which is neutral and non-polar, at codon 4194 of the HSPG2 protein (p.Gly4194Val). The frequency data for this variant in the population databases is considered unreliable, as metrics indicate poor data quality at this position in the gnomAD database. This variant has not been reported in the literature in individuals affected with HSPG2-related conditions. ClinVar contains an entry for this variant (Variation ID: 1427804). Algorithms developed to predict the effect of missense changes on protein structure and function are either unavailable or do not agree on the potential impact of this missense change (SIFT: "Deleterious"; PolyPhen-2: "Possibly Damaging"; Align-GVGD: "Class C0"). In summary, the available evidence is currently insufficient to determine the role of this variant in disease. Therefore, it has been classified as a Variant of Uncertain Significance.